The following is an entry in ClinVar:

NM_080680.3(COL11A2):c.3093G>T (p.Pro1031=)

Gene: COL11A2 (collagen type XI alpha 2 chain; minus strand). Cytogenetic location: 6p21.32.
Variant type: single nucleotide variant.
Coding change: c.3093G>T on transcript NM_080680.3 (MANE Select); coding-DNA position 3093, G replaced by T.
Protein change: p.Pro1031=; no amino-acid change (proline 1031 retained).
Molecular consequence: synonymous variant.
Genome position (GRCh38, 1-based): chr6:33,171,770, C>A on the plus strand (G>T on the coding strand, the complement: COL11A2 is on the minus strand). VCF-style: chr6-33171770-C-A. GRCh37 (hg19) VCF-style: chr6-33139547-C-A.
Other names: c.3093G>T (NM_080680.2); c.2913G>T, p.Pro971= (NM_001424108.1); c.2247G>T, p.Pro749= (NM_001424109.1); c.2067G>T, p.Pro689= (NM_001424110.1, NM_001424111.1); c.1047G>T, p.Pro349= (NM_001424112.1); c.2772G>T, p.Pro924= (NM_080679.3); c.2835G>T, p.Pro945= (NM_080681.3).
Identifiers: ClinVar variation 2907313 (VCV002907313.5), dbSNP rs61738289, ClinGen allele CA449878254.
Genomic context (GRCh38, chr6:33,171,770, plus strand): 5'-CACTGGGACACCTTTCTCTCCTGCTGCTCCAGGGGGACCCTGCGGGCCTGGGCGCCCTGG[C>A]GGACCAATGGGTCCCCCTGATCCTGCTGCACCTCGTTCCCCAGGGGAGCCCTGAGAAAGC-3'
Protein context (NP_542411.2, residues 1021-1041): GAAGSGGPIG[Pro1031=]PGRPGPQGPP

ClinVar aggregate classification (germline): Likely benign. Review status: criteria provided, multiple submitters, no conflicts (2 of 4 stars). 3 submissions from 3 submitters: Likely benign (3). Last evaluated 2026-05-29.

Conditions:
COL11A2-related disorder. Also called: COL11A2-related condition; COL11A2-related disorders.

Allele frequency attached by ClinVar (database versions not stated): TOPMed below 0.00001.
gnomAD v4.1: 3 of 1,612,874 alleles (0.00019%); highest among the groups gnomAD compares: Admixed American, 0.0033%; no homozygotes.

Submissions (3):

PreventionGenetics, part of Exact Sciences
Classification: Likely benign for COL11A2-related condition. Last evaluated: 2026-05-29. Review status: criteria provided, single submitter. Criteria: ACMG Guidelines, 2015. Collection method: clinical testing. Allele origin: germline.
Comment: This variant is classified as likely benign based on ACMG/AMP sequence variant interpretation guidelines (Richards et al. 2015 PMID: 25741868, with internal and published modifications).

Labcorp Genetics (formerly Invitae), Labcorp
Classification: Likely benign. Last evaluated: 2023-05-06. Review status: criteria provided, single submitter. Criteria: Invitae Variant Classification Sherloc (09022015). Collection method: clinical testing. Allele origin: germline.

Blueprint Genetics
Classification: Likely benign. Last evaluated: 2018-11-30. Review status: criteria provided, single submitter. Criteria: ACMG Guidelines, 2015. Collection method: clinical testing. Allele origin: germline.